The following is an entry in ClinVar:

NM_013382.7(POMT2):c.929C>T (p.Pro310Leu)

Gene: POMT2 (protein O-mannosyltransferase 2; minus strand). Cytogenetic location: 14q24.3.
Variant type: single nucleotide variant.
Coding change: c.929C>T on transcript NM_013382.7 (MANE Select); coding-DNA position 929, C replaced by T.
Protein change: p.Pro310Leu; replaces proline 310 with leucine.
Molecular consequence: missense variant.
Genome position (GRCh38, 1-based): chr14:77,298,766, G>A on the plus strand (C>T on the coding strand, the complement: POMT2 is on the minus strand). VCF-style: chr14-77298766-G-A. GRCh37 (hg19) VCF-style: chr14-77765109-G-A.
Other names: short protein forms P310L.
Identifiers: ClinVar variation 1719810 (VCV001719810.6), dbSNP rs2503262755, ClinGen allele CA390519820.

ClinVar aggregate classification (germline): Uncertain significance (1 of 4 stars; one submission).

Conditions:
Muscular dystrophy-dystroglycanopathy (congenital with impaired intellectual development), type B, 2. Also called: Muscular dystrophy-dystroglycanopathy (congenital with intellectual disability), type B2; MUSCULAR DYSTROPHY, CONGENITAL, POMT2-RELATED. Identifiers: MedGen C3150416, MONDO:0013160, OMIM 613156.
Autosomal recessive limb-girdle muscular dystrophy type 2N. Also called: Muscular dystrophy-dystroglycanopathy (limb-girdle), type C, 2; MUSCULAR DYSTROPHY-DYSTROGLYCANOPATHY, LIMB-GIRDLE, POMT2-RELATED. Identifiers: Orphanet 206559, MedGen C3150418, MONDO:0013162, OMIM 613158.
Muscular dystrophy-dystroglycanopathy (congenital with brain and eye anomalies), type A2. Also called: MUSCULAR DYSTROPHY-DYSTROGLYCANOPATHY (CONGENITAL WITH BRAIN AND EYE ANOMALIES), TYPE A, 2; WALKER-WARBURG SYNDROME OR MUSCLE-EYE-BRAIN DISEASE, POMT2-RELATED. Identifiers: Orphanet 588, Orphanet 899, MedGen C3150411, MONDO:0013154, OMIM 613150.

Submission:

Labcorp Genetics (formerly Invitae), Labcorp
Classification: Uncertain significance for Muscular dystrophy-dystroglycanopathy (congenital with impaired intellectual development), type B, 2; Muscular dystrophy-dystroglycanopathy (congenital with brain and eye anomalies), type A2; Autosomal recessive limb-girdle muscular dystrophy type 2N. Last evaluated: 2025-06-16. Review status: criteria provided, single submitter. Criteria: Invitae Variant Classification Sherloc (09022015). Collection method: clinical testing. Allele origin: germline.
Comment: This sequence change replaces proline, which is neutral and non-polar, with leucine, which is neutral and non-polar, at codon 310 of the POMT2 protein (p.Pro310Leu). This variant is not present in population databases (gnomAD no frequency). This variant has not been reported in the literature in individuals affected with POMT2-related conditions. ClinVar contains an entry for this variant (Variation ID: 1719810). Invitae Evidence Modeling of protein sequence and biophysical properties (such as structural, functional, and spatial information, amino acid conservation, physicochemical variation, residue mobility, and thermodynamic stability) has been performed for this missense variant. However, the output from this modeling did not meet the statistical confidence thresholds required to predict the impact of this variant on POMT2 protein function. In summary, the available evidence is currently insufficient to determine the role of this variant in disease. Therefore, it has been classified as a Variant of Uncertain Significance.